The following is an entry in ClinVar:

NM_002299.4(LCT):c.781C>T (p.Arg261Trp)

Gene: LCT (lactase; minus strand). Cytogenetic location: 2q21.3.
Variant type: single nucleotide variant.
Coding change: c.781C>T on transcript NM_002299.4 (MANE Select); coding-DNA position 781, C replaced by T.
Protein change: p.Arg261Trp; replaces arginine 261 with tryptophan.
Molecular consequence: missense variant.
Genome position (GRCh38, 1-based): chr2:135,829,616, G>A on the plus strand (C>T on the coding strand, the complement: LCT is on the minus strand). VCF-style: chr2-135829616-G-A. GRCh37 (hg19) VCF-style: chr2-136587186-G-A.
Other names: short protein forms R261W.
Identifiers: ClinVar variation 2164795 (VCV002164795.4), dbSNP rs765886318, ClinGen allele CA1888537.
Genomic context (GRCh38, chr2:135,829,616, plus strand): 5'-TGCATTCATCATTAATGTGGAAAAGGGCTCAAATTACCTGCAATTTACTCAGCTTCTGCC[G>A]CAGACTTGCCTCATTTTGGCATTCATAAGACAAATCAAGAGAGAGGAAATCGACCGTGTC-3'
Protein context (NP_002290.2, residues 251-271): SYECQNEASL[Arg261Trp]QKLSKLQTIE

ClinVar aggregate classification (germline): Uncertain significance. Review status: criteria provided, multiple submitters, no conflicts (2 of 4 stars). 2 submissions from 2 submitters: Uncertain significance (2). Last evaluated 2024-04-03.

Conditions:
Inborn genetic diseases. Identifiers: MedGen C0950123, MeSH D030342.

Allele frequency attached by ClinVar (database versions not stated): ExAC 0.00001; gnomAD 0.00004; TOPMed 0.00005.

Submissions (2):

Labcorp Genetics (formerly Invitae), Labcorp
Classification: Uncertain significance. Last evaluated: 2024-04-03. Review status: criteria provided, single submitter. Criteria: Invitae Variant Classification Sherloc (09022015). Collection method: clinical testing. Allele origin: germline.
Comment: This sequence change replaces arginine, which is basic and polar, with tryptophan, which is neutral and slightly polar, at codon 261 of the LCT protein (p.Arg261Trp). This variant is present in population databases (rs765886318, gnomAD 0.004%). This variant has not been reported in the literature in individuals affected with LCT-related conditions. ClinVar contains an entry for this variant (Variation ID: 2164795). An algorithm developed to predict the effect of missense changes on protein structure and function (PolyPhen-2) suggests that this variant¬†is likely to be tolerated. Algorithms developed to predict the effect of sequence changes on RNA splicing suggest that this variant may disrupt the consensus splice site. In summary, the available evidence is currently insufficient to determine the role of this variant in disease. Therefore, it has been classified as a Variant of Uncertain Significance.

Ambry Genetics
Classification: Uncertain significance for Inborn genetic diseases. Last evaluated: 2024-01-03. Review status: criteria provided, single submitter. Criteria: Ambry Variant Classification Scheme 2023. Collection method: clinical testing. Allele origin: germline.